The following is an entry in ClinVar:

NM_177438.3(DICER1):c.1749_1753del (p.Glu583fs)

Gene: DICER1 (dicer 1, ribonuclease III; minus strand). Cytogenetic location: 14q32.13.
Variant type: Deletion.
Coding change: c.1749_1753del on transcript NM_177438.3 (MANE Select); coding-DNA positions 1749 to 1753, 5 bases deleted (AAAAG; older notation c.1749_1753delAAAAG).
Protein change: p.Glu583fs; shifts the reading frame from glutamic acid 583.
Molecular consequence: frameshift variant.
Genome position (GRCh38, 1-based): chr14:95,116,453-95,116,457, CTTTT deleted on the plus strand (AAAAG on the coding strand, the reverse complement: DICER1 is on the minus strand); deleting any 5 consecutive bases within chr14:95,116,453-95,116,458 gives the same sequence; the c. name uses the placement nearest the transcript's 3' end. VCF-style (leftmost placement, unchanged base first): chr14-95116452-CCTTTT-C. GRCh37 (hg19) VCF-style: chr14-95582789-CCTTTT-C.
Other names: c.1749_1753del, p.Glu583fs (NM_001195573.1, NM_001271282.3, NM_001291628.2 and 1 more transcripts); c.1748_1752delAAAAG (NM_177438.2); short protein forms E583fs.
Identifiers: ClinVar variation 429165 (VCV000429165.5), dbSNP rs1131691232, ClinGen allele CA645369621.

ClinVar aggregate classification (germline): Pathogenic (1 of 4 stars; one submission).

Conditions:
Hereditary cancer-predisposing syndrome. Also called: Hereditary Cancer Syndrome; Neoplastic Syndromes, Hereditary; Hereditary neoplastic syndrome; Tumor predisposition. Identifiers: Orphanet 140162, MedGen C0027672, MeSH D009386, MONDO:0015356.

Submission:

Ambry Genetics
Classification: Pathogenic for Hereditary cancer-predisposing syndrome. Last evaluated: 2016-07-12. Review status: criteria provided, single submitter. Criteria: Ambry Variant Classification Scheme 2023. Collection method: clinical testing. Allele origin: germline.
Comment: The c.1748_1752delAAAAG pathogenic mutation, located in coding exon 9 of the DICER1 gene, results from a deletion of 5 nucleotides at nucleotide positions 1748 to 1752, causing a translational frameshift with a predicted alternate stop codon (p.E583Dfs*11). This alteration is expected to result in loss of function by premature protein truncation or nonsense-mediated mRNA decay. As such, this alteration is interpreted as a disease-causing mutation.